The following is an entry in ClinVar:

NM_020232.5(PSMG2):c.687G>T (p.Gln229His)

Gene: PSMG2 (proteasome assembly chaperone 2; plus strand). Cytogenetic location: 18p11.21.
Variant type: single nucleotide variant.
Coding change: c.687G>T on transcript NM_020232.5 (MANE Select); coding-DNA position 687, G replaced by T.
Protein change: p.Gln229His; replaces glutamine 229 with histidine.
Molecular consequence: missense variant.
Genome position (GRCh38, 1-based): chr18:12,724,604, G>T. VCF-style: chr18-12724604-G-T. GRCh37 (hg19) VCF-style: chr18-12724603-G-T.
Other names: c.594G>T, p.Gln198His (NM_147163.2); short protein forms Q198H, Q229H.
Identifiers: ClinVar variation 1718283 (VCV001718283.5), dbSNP rs781425629, ClinGen allele CA296726720.
Genomic context (GRCh38, chr18:12,724,604, plus strand): 5'-AGAAGGGGACAACATCCCAGATGCATTAGGTCTTGTTGAGTATCTTAATGAGTGGCTTCA[G>T]ATACTCAAACCACTTGTAAGTTCTATTATAGCTTAAGCCTCTTCTTTGTCTGGTTGTATT-3'
Protein context (NP_064617.2, residues 219-239): GLVEYLNEWL[Gln229His]ILKPLSDDPT

ClinVar aggregate classification (germline): Uncertain significance (1 of 4 stars; one submission).

Allele frequency attached by ClinVar (database versions not stated): gnomAD exomes 0.00001.
gnomAD v4.1: 5 of 1,603,382 alleles (0.00031%); highest among the groups gnomAD compares: Non-Finnish European, 0.00043%; no homozygotes.

Submission:

Labcorp Genetics (formerly Invitae), Labcorp
Classification: Uncertain significance. Last evaluated: 2022-08-29. Review status: criteria provided, single submitter. Criteria: Invitae Variant Classification Sherloc (09022015). Collection method: clinical testing. Allele origin: germline.
Comment: In summary, the available evidence is currently insufficient to determine the role of this variant in disease. Therefore, it has been classified as a Variant of Uncertain Significance. Algorithms developed to predict the effect of missense changes on protein structure and function output the following: SIFT: "Tolerated"; PolyPhen-2: "Benign"; Align-GVGD: "Class C0". The histidine amino acid residue is found in multiple mammalian species, which suggests that this missense change does not adversely affect protein function. This variant has not been reported in the literature in individuals affected with PSMG2-related conditions. This variant is not present in population databases (gnomAD no frequency). This sequence change replaces glutamine, which is neutral and polar, with histidine, which is basic and polar, at codon 229 of the PSMG2 protein (p.Gln229His).